The following is an entry in ClinVar:

ClinVar aggregate classification (germline): Pathogenic (1 of 4 stars; one submission).

Conditions:
Muscular dystrophy-dystroglycanopathy (congenital with impaired intellectual development), type B, 2. Also called: MUSCULAR DYSTROPHY, CONGENITAL, POMT2-RELATED; Muscular dystrophy-dystroglycanopathy (congenital with intellectual disability), type B2. Identifiers: MedGen C3150416, MONDO:0013160, OMIM 613156.
Muscular dystrophy-dystroglycanopathy (congenital with brain and eye anomalies), type A2. Also called: MUSCULAR DYSTROPHY-DYSTROGLYCANOPATHY (CONGENITAL WITH BRAIN AND EYE ANOMALIES), TYPE A, 2; WALKER-WARBURG SYNDROME OR MUSCLE-EYE-BRAIN DISEASE, POMT2-RELATED. Identifiers: Orphanet 588, Orphanet 899, MedGen C3150411, MONDO:0013154, OMIM 613150.
Autosomal recessive limb-girdle muscular dystrophy type 2N. Also called: MUSCULAR DYSTROPHY-DYSTROGLYCANOPATHY, LIMB-GIRDLE, POMT2-RELATED; Muscular dystrophy-dystroglycanopathy (limb-girdle), type C, 2. Identifiers: Orphanet 206559, MedGen C3150418, MONDO:0013162, OMIM 613158.

Allele frequency attached by ClinVar (database versions not stated): gnomAD exomes below 0.00001.

Submission:

Labcorp Genetics (formerly Invitae), Labcorp
Classification: Pathogenic for Muscular dystrophy-dystroglycanopathy (congenital with impaired intellectual development), type B, 2; Muscular dystrophy-dystroglycanopathy (congenital with brain and eye anomalies), type A2; Autosomal recessive limb-girdle muscular dystrophy type 2N. Last evaluated: 2024-01-22. Review status: criteria provided, single submitter. Criteria: Invitae Variant Classification Sherloc (09022015). Collection method: clinical testing. Allele origin: germline.
Comment: This sequence change creates a premature translational stop signal (p.Ser554Metfs*47) in the POMT2 gene. It is expected to result in an absent or disrupted protein product. Loss-of-function variants in POMT2 are known to be pathogenic (PMID: 15894594). This variant is not present in population databases (gnomAD no frequency). This variant has not been reported in the literature in individuals affected with POMT2-related conditions. For these reasons, this variant has been classified as Pathogenic.

Literature cited by the submitters: PubMed 15894594.

NM_013382.7(POMT2):c.1661del (p.Ser554fs)

Gene: POMT2 (protein O-mannosyltransferase 2; minus strand). Cytogenetic location: 14q24.3.
Variant type: Deletion.
Coding change: c.1661del on transcript NM_013382.7 (MANE Select); coding-DNA position 1661, one base deleted (G; older notation c.1661delG).
Protein change: p.Ser554fs; shifts the reading frame from serine 554.
Molecular consequence: frameshift variant.
Genome position (GRCh38, 1-based): chr14:77,280,456, C deleted on the plus strand (G on the coding strand, the reverse complement: POMT2 is on the minus strand). VCF-style (leftmost placement, unchanged base first): chr14-77280455-AC-A. GRCh37 (hg19) VCF-style: chr14-77746798-AC-A.
Other names: short protein forms S554fs.
Identifiers: ClinVar variation 2923998 (VCV002923998.3), dbSNP rs2503171373, ClinGen allele CA2625848896.